The following is an entry in ClinVar:

NM_014956.5(CEP164):c.1233+9G>A

Gene: CEP164 (centrosomal protein 164; plus strand). Cytogenetic location: 11q23.3.
Variant type: single nucleotide variant.
Coding change: c.1233+9G>A on transcript NM_014956.5 (MANE Select); 9 bases into the intron after coding-DNA position 1233, G replaced by A.
Molecular consequence: intron variant.
Genome position (GRCh38, 1-based): chr11:117,373,840, G>A. VCF-style: chr11-117373840-G-A. GRCh37 (hg19) VCF-style: chr11-117244556-G-A.
Other names: c.1233+9G>A (NM_001271933.2, NM_014956.4).
Identifiers: ClinVar variation 1576204 (VCV001576204.11), dbSNP rs1042105817, ClinGen allele CA229393120.

ClinVar aggregate classification (germline): Likely benign. Review status: criteria provided, multiple submitters, no conflicts (2 of 4 stars). 3 submissions from 3 submitters: Likely benign (2). 1 of the submissions does not count toward it. Last evaluated 2025-05-19.

Conditions:
Nephronophthisis 15 (NPHP15). Identifiers: Orphanet 3156, MedGen C3541853, MONDO:0013917, OMIM 614845.
CEP164-related disorder. Also called: CEP164-related condition.

Allele frequency attached by ClinVar (database versions not stated): gnomAD exomes below 0.00001; gnomAD 0.00003; TOPMed 0.00004.
gnomAD v4.1: 8 of 1,612,250 alleles (0.0005%); highest among the groups gnomAD compares: African/African-American, 0.008%; no homozygotes.

Submissions (3):

Labcorp Genetics (formerly Invitae), Labcorp
Classification: Likely benign for Nephronophthisis 15. Last evaluated: 2025-05-19. Review status: criteria provided, single submitter. Criteria: Invitae Variant Classification Sherloc (09022015). Collection method: clinical testing. Allele origin: germline.

Fulgent Genetics
Classification: Likely benign for Nephronophthisis 15. Last evaluated: 2021-09-13. Review status: criteria provided, single submitter. Criteria: ACMG Guidelines, 2015. Collection method: clinical testing. Allele origin: unknown.

PreventionGenetics, part of Exact Sciences
Classification: Likely benign for CEP164-related condition. Last evaluated: 2023-08-07. Review status: no assertion criteria provided. Collection method: clinical testing. Allele origin: germline. Not counted in ClinVar's aggregate classification.
Comment: This variant is classified as likely benign based on ACMG/AMP sequence variant interpretation guidelines (Richards et al. 2015 PMID: 25741868, with internal and published modifications).